The following is an entry in ClinVar:

NM_001267550.2(TTN):c.9461A>G (p.Lys3154Arg)

Gene: TTN (titin; minus strand). Cytogenetic location: 2q31.2.
Variant type: single nucleotide variant.
Coding change: c.9461A>G on transcript NM_001267550.2 (MANE Select); coding-DNA position 9461, A replaced by G.
Protein change: p.Lys3154Arg; replaces lysine 3154 with arginine.
Molecular consequence: missense variant.
Genome position (GRCh38, 1-based): chr2:178,767,769, T>C on the plus strand (A>G on the coding strand, the complement: TTN is on the minus strand). VCF-style: chr2-178767769-T-C. GRCh37 (hg19) VCF-style: chr2-179632496-T-C.
Other names: p.K3154R:AAG>AGG; c.9461A>G, p.Lys3154Arg (NM_001256850.1, NM_133378.4, NM_133379.5); c.9323A>G, p.Lys3108Arg (NM_003319.4, NM_133432.3, NM_133437.4); short protein forms K3154R, K3108R.
Identifiers: ClinVar variation 47648 (VCV000047648.37), dbSNP rs4893853, ClinGen allele CA284252.
Genomic context (GRCh38, chr2:178,767,769, plus strand): 5'-GATTATGGACTACTGATGATTTTTCAAAACATTTAGTATGTAGACAATACCTGAACCTCC[T>C]TTTTAATACTTCGGATGCGAACATCTCTGCCTTCTACAAAGAGTTTTGCAGTTGACACGT-3'
Protein context (NP_001254479.2, residues 3144-3164): GRDVRIRSIK[Lys3154Arg]EVQVIEKQRA

ClinVar aggregate classification (germline): Benign/Likely benign. Review status: criteria provided, multiple submitters, no conflicts (2 of 4 stars). 25 submissions from 18 submitters: Benign (18); Likely benign (2). 5 of the submissions do not count toward it. Last evaluated 2026-02-04.

Conditions:
Cardiovascular phenotype. Identifiers: MedGen CN230736.
Dilated cardiomyopathy 1G (CMD1G). Identifiers: Orphanet 154, MedGen C1858763, MONDO:0011400, OMIM 604145.
Autosomal recessive limb-girdle muscular dystrophy type 2J (LGMDR10). Also called: Limb-girdle muscular dystrophy, type 2J; MUSCULAR DYSTROPHY, LIMB-GIRDLE, AUTOSOMAL RECESSIVE 10. Identifiers: Orphanet 140922, MedGen C1837342, MONDO:0012127, OMIM 608807.
Early-onset myopathy with fatal cardiomyopathy (CMYO5). Also called: CONGENITAL MYOPATHY 5 WITH CARDIOMYOPATHY; Salih Myopathy. Identifiers: Orphanet 289377, MedGen C2673677, MONDO:0012714, OMIM 611705. Disease mechanism: loss of function.
Myopathy, myofibrillar, 9, with early respiratory failure (MFM9). Also called: MYOPATHY, PROXIMAL, WITH EARLY RESPIRATORY MUSCLE INVOLVEMENT; Myopathy, distal, with early respiratory failure, autosomal dominant; Hereditary myopathy with early respiratory failure; EDSTROM MYOPATHY. Identifiers: Orphanet 178464, Orphanet 34521, MedGen C1863599, MONDO:0011362, OMIM 603689.
Tibial muscular dystrophy (TMD). Also called: Tibial muscular dystrophy, tardive; UDD MYOPATHY; Udd Distal Myopathy – Tibial Muscular Dystrophy. Identifiers: Orphanet 609, MedGen C1838244, MONDO:0010870, OMIM 600334.

Allele frequency attached by ClinVar (database versions not stated): ESP Exome Variant Server 0.03837; gnomAD exomes 0.03837 and 0.07041; gnomAD 0.05020 and 0.05414; TOPMed 0.05644; ExAC 0.06589; 1000 Genomes Project 30x 0.08510; 1000 Genomes Project 0.08606.

Submissions (25):

Labcorp Genetics (formerly Invitae), Labcorp
Classification: Benign for Dilated cardiomyopathy 1G; Autosomal recessive limb-girdle muscular dystrophy type 2J. Last evaluated: 2026-02-04. Review status: criteria provided, single submitter. Criteria: Invitae Variant Classification Sherloc (09022015). Collection method: clinical testing. Allele origin: germline.

Molecular Diagnostic Laboratory for Inherited Cardiovascular Disease, Montreal Heart Institute
Classification: Benign. Last evaluated: 2025-04-09. Review status: criteria provided, single submitter. Criteria: ACMG Guidelines, 2015. Collection method: clinical testing. Allele origin: germline. Affected: no.

Genome-Nilou Lab
Classification: Benign for Autosomal recessive limb-girdle muscular dystrophy type 2J. Last evaluated: 2021-09-10. Review status: criteria provided, single submitter. Criteria: ACMG Guidelines, 2015. Collection method: clinical testing. Allele origin: germline. Affected: no.

Genome-Nilou Lab
Classification: Benign for Myopathy, myofibrillar, 9, with early respiratory failure. Last evaluated: 2021-09-10. Review status: criteria provided, single submitter. Criteria: ACMG Guidelines, 2015. Collection method: clinical testing. Allele origin: germline. Affected: no.

Genome-Nilou Lab
Classification: Benign for Early-onset myopathy with fatal cardiomyopathy. Last evaluated: 2021-09-10. Review status: criteria provided, single submitter. Criteria: ACMG Guidelines, 2015. Collection method: clinical testing. Allele origin: germline. Affected: no.

Genome-Nilou Lab
Classification: Benign for Tibial muscular dystrophy. Last evaluated: 2021-09-10. Review status: criteria provided, single submitter. Criteria: ACMG Guidelines, 2015. Collection method: clinical testing. Allele origin: germline. Affected: no.

Women's Health and Genetics/Laboratory Corporation of America, LabCorp
Classification: Likely benign. Last evaluated: 2020-08-18. Review status: criteria provided, single submitter. Criteria: LabCorp Variant Classification Summary - May 2015. Collection method: clinical testing. Allele origin: germline.

Athena Diagnostics
Classification: Benign. Last evaluated: 2018-06-21. Review status: criteria provided, single submitter. Criteria: Athena Diagnostics Criteria. Collection method: clinical testing. Allele origin: germline.

Illumina Laboratory Services, Illumina
Classification: Benign for Early-onset myopathy with fatal cardiomyopathy. Last evaluated: 2018-01-13. Review status: criteria provided, single submitter. Criteria: ICSL Variant Classification Criteria 13 December 2019. Collection method: clinical testing. Allele origin: germline.
Comment: This variant was observed in the ICSL laboratory as part of a predisposition screen in an ostensibly healthy population. It had not been previously curated by ICSL or reported in the Human Gene Mutation Database (HGMD: prior to June 1st, 2018), and was therefore a candidate for classification through an automated scoring system. Utilizing variant allele frequency, disease prevalence and penetrance estimates, and inheritance mode, an automated score was calculated to assess if this variant is too frequent to cause the disease. Based on the score and internal cut-off values, a variant classified as benign is not then subjected to further curation. The score for this variant resulted in a classification of benign for this disease.

Illumina Laboratory Services, Illumina
Classification: Benign for Tibial muscular dystrophy. Last evaluated: 2018-01-13. Review status: criteria provided, single submitter. Criteria: ICSL Variant Classification Criteria 13 December 2019. Collection method: clinical testing. Allele origin: germline.
Comment: the same text as in the submission from Illumina Laboratory Services, Illumina above.

Illumina Laboratory Services, Illumina
Classification: Benign for Dilated cardiomyopathy 1G. Last evaluated: 2018-01-13. Review status: criteria provided, single submitter. Criteria: ICSL Variant Classification Criteria 13 December 2019. Collection method: clinical testing. Allele origin: germline.
Comment: the same text as in the submission from Illumina Laboratory Services, Illumina above.

Illumina Laboratory Services, Illumina
Classification: Benign for Autosomal recessive limb-girdle muscular dystrophy type 2J. Last evaluated: 2018-01-13. Review status: criteria provided, single submitter. Criteria: ICSL Variant Classification Criteria 13 December 2019. Collection method: clinical testing. Allele origin: germline.
Comment: the same text as in the submission from Illumina Laboratory Services, Illumina above.

Illumina Laboratory Services, Illumina
Classification: Benign for Myopathy, myofibrillar, 9, with early respiratory failure. Last evaluated: 2018-01-13. Review status: criteria provided, single submitter. Criteria: ICSL Variant Classification Criteria 13 December 2019. Collection method: clinical testing. Allele origin: germline.
Comment: the same text as in the submission from Illumina Laboratory Services, Illumina above.

Mayo Clinic Laboratories, Mayo Clinic
Classification: Benign. Last evaluated: 2017-08-24. Review status: criteria provided, single submitter. Criteria: ACMG Guidelines, 2015. Collection method: clinical testing. Allele origin: germline. Observed: 209 variant alleles.

Biesecker Lab/Clinical Genomics Section, National Institutes of Health
Classification: Benign. Last evaluated: 2013-06-24. Review status: criteria provided, single submitter. Criteria: Ng et al. (Circ Cardiovasc Genet. 2013). Collection method: research. Allele origin: unknown. Observed: 59 variant alleles. Study: ClinSeq.
Comment: The study set was not selected for affection status in relation to any cancer. Pathogenicity categories were based on literature curation. See Pubmed ID:23861362 for details.

Medical sequencing

Ambry Genetics
Classification: Benign for Cardiovascular phenotype. Last evaluated: 2012-11-16. Review status: criteria provided, single submitter. Criteria: Ambry Autosomal Dominant and X-Linked criteria (10/2015). Collection method: clinical testing. Allele origin: germline. Observed: 1 variant allele.

GeneDx
Classification: Benign. Last evaluated: 2012-10-26. Review status: criteria provided, single submitter. Criteria: GeneDx Variant Classification (06012015). Collection method: clinical testing. Allele origin: germline. Affected: yes.
Comment: This variant is considered likely benign or benign based on one or more of the following criteria: it is a conservative change, it occurs at a poorly conserved position in the protein, it is predicted to be benign by multiple in silico algorithms, and/or has population frequency not consistent with disease.

Laboratory for Molecular Medicine, Mass General Brigham Personalized Medicine
Classification: Benign. Last evaluated: 2011-12-01. Review status: criteria provided, single submitter. Criteria: LMM Criteria. Collection method: clinical testing. Allele origin: germline. Observed: 177 variant alleles.

Breakthrough Genomics
Classification: Likely benign. Review status: criteria provided, single submitter. Criteria: ACMG Guidelines, 2015. Collection method: not provided. Allele origin: germline. Inheritance: Autosomal recessive inheritance. Affected: yes.

PreventionGenetics, part of Exact Sciences
Classification: Benign. Review status: criteria provided, single submitter. Criteria: ACMG Guidelines, 2015. Collection method: clinical testing. Allele origin: germline.

Clinical Genetics DNA and cytogenetics Diagnostics Lab, Erasmus MC, Erasmus Medical Center
Classification: Benign. Review status: no assertion criteria provided. Collection method: clinical testing. Allele origin: germline. Affected: yes. Study: VKGL Data-share Consensus. Not counted in ClinVar's aggregate classification.

Clinical Genetics, Academic Medical Center
Classification: Benign. Review status: no assertion criteria provided. Collection method: clinical testing. Allele origin: germline. Affected: yes. Study: VKGL Data-share Consensus. Not counted in ClinVar's aggregate classification.

Genetic Services Laboratory, University of Chicago
Classification: Likely benign for AllHighlyPenetrant. Review status: no assertion criteria provided. Collection method: clinical testing. Allele origin: germline. Not counted in ClinVar's aggregate classification.
Comment: Likely benign based on allele frequency in 1000 Genomes Project or ESP global frequency and its presence in a patient with a rare or unrelated disease phenotype. NOT Sanger confirmed.

Genome Diagnostics Laboratory, University Medical Center Utrecht
Classification: Benign. Review status: no assertion criteria provided. Collection method: clinical testing. Allele origin: germline. Affected: yes. Study: VKGL Data-share Consensus. Not counted in ClinVar's aggregate classification.

Joint Genome Diagnostic Labs from Nijmegen and Maastricht, Radboudumc and MUMC+
Classification: Benign. Review status: no assertion criteria provided. Collection method: clinical testing. Allele origin: germline. Affected: yes. Study: VKGL Data-share Consensus. Not counted in ClinVar's aggregate classification.